The following is an entry in ClinVar:

NM_000057.4(BLM):c.3960C>T (p.Pro1320=)

Gene: BLM (BLM RecQ like helicase; plus strand). Cytogenetic location: 15q26.1.
Variant type: single nucleotide variant.
Coding change: c.3960C>T on transcript NM_000057.4 (MANE Select); coding-DNA position 3960, C replaced by T.
Protein change: p.Pro1320=; no amino-acid change (proline 1320 retained).
Molecular consequence: synonymous variant.
Genome position (GRCh38, 1-based): chr15:90,811,290, C>T. VCF-style: chr15-90811290-C-T. GRCh37 (hg19) VCF-style: chr15-91354520-C-T.
Other names: p.P1320P:CCC>CCT; c.3960C>T, p.Pro1320= (NM_001287246.2); c.3567C>T, p.Pro1189= (NM_001287247.2); c.2835C>T, p.Pro945= (NM_001287248.2); c.3960C>T (LRG_20t1).
Identifiers: ClinVar variation 136519 (VCV000136519.33), dbSNP rs56009845, ClinGen allele CA289710.

ClinVar aggregate classification (germline): Benign/Likely benign. Review status: criteria provided, multiple submitters, no conflicts (2 of 4 stars). 12 submissions from 12 submitters: Benign (6); Likely benign (3). 3 of the submissions do not count toward it. Last evaluated 2026-02-04.

Conditions:
Hereditary cancer-predisposing syndrome. Also called: Tumor predisposition; Hereditary neoplastic syndrome; Neoplastic Syndromes, Hereditary; Hereditary Cancer Syndrome. Identifiers: Orphanet 140162, MedGen C0027672, MeSH D009386, MONDO:0015356.
Bloom syndrome (BLM). Also called: Bloom-Torre-Machacek syndrome. Identifiers: Orphanet 125, MedGen C0005859, MONDO:0008876, OMIM 210900.

Allele frequency attached by ClinVar (database versions not stated): gnomAD 0.00502 and 0.00471; TOPMed 0.00592; ESP Exome Variant Server 0.00616; gnomAD exomes 0.00049 and 0.00114; ExAC 0.00150; 1000 Genomes Project 30x 0.00406; 1000 Genomes Project 0.00439.
gnomAD v4.1: 1,450 of 1,614,150 alleles (0.09%); highest among the groups gnomAD compares: African/African-American, 1.7%; 9 homozygotes.

Submissions (12):

Labcorp Genetics (formerly Invitae), Labcorp
Classification: Benign for Bloom syndrome. Last evaluated: 2026-02-04. Review status: criteria provided, single submitter. Criteria: Invitae Variant Classification Sherloc (09022015). Collection method: clinical testing. Allele origin: germline.

Quest Diagnostics Nichols Institute San Juan Capistrano
Classification: Benign. Last evaluated: 2025-05-19. Review status: criteria provided, single submitter. Criteria: Quest Diagnostics criteria. Collection method: clinical testing. Allele origin: unknown.

Blueprint Genetics
Classification: Likely benign. Last evaluated: 2024-11-25. Review status: criteria provided, single submitter. Criteria: ACMG Guidelines, 2015. Collection method: clinical testing. Allele origin: germline.

ARUP Laboratories, Molecular Genetics and Genomics, ARUP Laboratories
Classification: Benign for Bloom syndrome. Last evaluated: 2024-05-01. Review status: criteria provided, single submitter. Criteria: ARUP Molecular Germline Variant Investigation Process 2024. Collection method: clinical testing. Allele origin: germline.

Women's Health and Genetics/Laboratory Corporation of America, LabCorp
Classification: Benign. Last evaluated: 2018-04-06. Review status: criteria provided, single submitter. Criteria: LabCorp Variant Classification Summary - May 2015. Collection method: clinical testing. Allele origin: germline.
Comment: Variant summary: BLM c.3960C>T alters a non-conserved nucleotide resulting in a synonymous change. Five computational tools predict no significant impact on normal splicing. However, these predictions have yet to be confirmed by functional studies. The variant allele was found at a frequency of 0.0015 in 277188 control chromosomes, predominantly at a frequency of 0.016 within the African subpopulation in the gnomAD database, including 3 homozygotes. The observed variant frequency within African control individuals in the gnomAD database is approximately 4-folds higher than the estimated maximal expected allele frequency for a pathogenic variant in BLM causing Bloom Syndrome phenotype (0.0035), strongly suggesting that the variant is a benign polymorphism found primarily in populations of African origin. To our knowledge, no occurrence of c.3960C>T in individuals affected with Bloom Syndrome and no experimental evidence demonstrating its impact on protein function have been reported. Multiple ClinVar submissions from clinical diagnostic laboratories (evaluation after 2014) cite the variant predominantly as likely benign/benign (2) and 1 as uncertain significance. Based on the evidence outlined above, the variant was classified as benign.

Illumina Laboratory Services, Illumina
Classification: Benign for Bloom syndrome. Last evaluated: 2018-01-13. Review status: criteria provided, single submitter. Criteria: ICSL Variant Classification Criteria 13 December 2019. Collection method: clinical testing. Allele origin: germline.
Comment: This variant was observed in the ICSL laboratory as part of a predisposition screen in an ostensibly healthy population. It had not been previously curated by ICSL or reported in the Human Gene Mutation Database (HGMD: prior to June 1st, 2018), and was therefore a candidate for classification through an automated scoring system. Utilizing variant allele frequency, disease prevalence and penetrance estimates, and inheritance mode, an automated score was calculated to assess if this variant is too frequent to cause the disease. Based on the score and internal cut-off values, a variant classified as benign is not then subjected to further curation. The score for this variant resulted in a classification of benign for this disease.

Ambry Genetics
Classification: Likely benign for Hereditary cancer-predisposing syndrome. Last evaluated: 2016-09-16. Review status: criteria provided, single submitter. Criteria: Ambry Variant Classification Scheme 2023. Collection method: clinical testing. Allele origin: germline.

GeneDx
Classification: Benign. Last evaluated: 2013-10-30. Review status: criteria provided, single submitter. Criteria: GeneDx Variant Classification (06012015). Collection method: clinical testing. Allele origin: germline. Affected: yes.
Comment: This variant is considered likely benign or benign based on one or more of the following criteria: it is a conservative change, it occurs at a poorly conserved position in the protein, it is predicted to be benign by multiple in silico algorithms, and/or has population frequency not consistent with disease.

Breakthrough Genomics
Classification: Likely benign. Review status: criteria provided, single submitter. Criteria: ACMG Guidelines, 2015. Collection method: not provided. Allele origin: germline. Inheritance: Autosomal recessive inheritance. Affected: yes.

Natera, Inc.
Classification: Benign for Bloom syndrome. Last evaluated: 2017-06-13. Review status: no assertion criteria provided. Collection method: clinical testing. Allele origin: germline. Not counted in ClinVar's aggregate classification.

Clinical Genetics DNA and cytogenetics Diagnostics Lab, Erasmus MC, Erasmus Medical Center
Classification: Benign. Review status: no assertion criteria provided. Collection method: clinical testing. Allele origin: germline. Affected: yes. Study: VKGL Data-share Consensus. Not counted in ClinVar's aggregate classification.

Genome Diagnostics Laboratory, Amsterdam University Medical Center
Classification: Benign. Review status: no assertion criteria provided. Collection method: clinical testing. Allele origin: germline. Affected: yes. Study: VKGL Data-share Consensus. Not counted in ClinVar's aggregate classification.